The following is an entry in ClinVar:

ClinVar aggregate classification (germline): Conflicting classifications of pathogenicity. Review status: criteria provided, conflicting classifications (1 of 4 stars). 2 submissions from 2 submitters: Uncertain significance (1); Likely benign (1). Last evaluated 2022-10-17.

Conditions:
Complement component 9 deficiency (C9D). Also called: C9 deficiency. Identifiers: MedGen C3151189, MONDO:0013445, OMIM 613825.

Allele frequency attached by ClinVar (database versions not stated): ExAC 0.00001; gnomAD exomes 0.00001 and 0.00002.
gnomAD v4.1: 8 of 1,614,172 alleles (0.0005%); highest among the groups gnomAD compares: South Asian, 0.0044%; no homozygotes.

Submissions (2):

Blueprint Genetics
Classification: Likely benign. Last evaluated: 2022-10-17. Review status: criteria provided, single submitter. Criteria: ACMG Guidelines, 2015. Collection method: clinical testing. Allele origin: germline.

Baylor Genetics
Classification: Uncertain significance for Complement component 9 deficiency. Last evaluated: 2018-07-25. Review status: criteria provided, single submitter. Criteria: ACMG Guidelines, 2015. Collection method: clinical testing. Allele origin: unknown. Affected: yes.
Comment: This variant was determined to be of uncertain significance according to ACMG Guidelines, 2015 [PMID:25741868].

NM_001737.5(C9):c.409G>A (p.Glu137Lys)

Gene: C9 (complement C9; minus strand). Cytogenetic location: 5p13.1.
Variant type: single nucleotide variant.
Coding change: c.409G>A on transcript NM_001737.5 (MANE Select); coding-DNA position 409, G replaced by A.
Protein change: p.Glu137Lys; replaces glutamic acid 137 with lysine.
Molecular consequence: missense variant.
Genome position (GRCh38, 1-based): chr5:39,341,213, C>T on the plus strand (G>A on the coding strand, the complement: C9 is on the minus strand). VCF-style: chr5-39341213-C-T. GRCh37 (hg19) VCF-style: chr5-39341315-C-T.
Other names: short protein forms E137K.
Identifiers: ClinVar variation 1033863 (VCV001033863.2), dbSNP rs753246845, ClinGen allele CA3247025.